The following is an entry in ClinVar:

ClinVar aggregate classification (germline): Likely pathogenic. Review status: criteria provided, single submitter (1 of 4 stars). 2 submissions from 2 submitters: Likely pathogenic (1). 1 of the submissions does not count toward it. Last evaluated 2024-01-02.

Conditions:
BEST1-related disorder. Also called: BEST1-related disorders; BEST1-related condition. Identifiers: MedGen CN239200.

Submissions (2):

Blueprint Genetics
Classification: Likely pathogenic for BEST1-related disorders. Last evaluated: 2024-01-02. Review status: criteria provided, single submitter. Criteria: ACMG Guidelines, 2015. Collection method: clinical testing. Allele origin: germline. Affected: yes. Observed: 1 variant allele.

PreventionGenetics, part of Exact Sciences
Classification: Pathogenic for BEST1-related condition. Last evaluated: 2024-01-24. Review status: no assertion criteria provided. Collection method: clinical testing. Allele origin: germline. Not counted in ClinVar's aggregate classification.
Comment: The BEST1 c.971_975del5 variant is predicted to result in a frameshift and premature protein termination (p.Glu324Alafs*15). To our knowledge, this variant has not been reported in the literature or in a large population database, indicating this variant is rare. Frameshift variants in BEST1 are expected to be pathogenic. This variant is interpreted as pathogenic.

NM_004183.4(BEST1):c.971_975del (p.Glu324fs)

Gene: BEST1 (bestrophin 1; plus strand). Cytogenetic location: 11q12.3.
Variant type: Deletion.
Coding change: c.971_975del on transcript NM_004183.4 (MANE Select); coding-DNA positions 971 to 975, 5 bases deleted (AGATG; older notation c.971_975delAGATG).
Protein change: p.Glu324fs; shifts the reading frame from glutamic acid 324.
Molecular consequence: frameshift variant. On other transcripts: non-coding transcript variant (1).
Genome position (GRCh38, 1-based): chr11:61,959,914-61,959,918, AGATG deleted; deleting any 5 consecutive bases within chr11:61,959,910-61,959,918 gives the same sequence; the c. name uses the placement nearest the transcript's 3' end. VCF-style (leftmost placement, unchanged base first): chr11-61959909-GGATGA-G. GRCh37 (hg19) VCF-style: chr11-61727381-GGATGA-G.
Other names: c.791_795delAGATG, p.Glu264Alafs (NM_001139443.3); c.710_714del, p.Glu237fs (NM_001300786.2); c.791_795del, p.Glu264fs (NM_001300787.2); c.653_657delAGATG, p.Glu218Alafs (NM_001363591.3); c.1174_1178delAGATG, p.Arg392Hisfs (NM_001363592.2); c.-2_3delAGATG, p.Met(?_1)_Met1(?) (NM_001363593.3); short protein forms E218fs, E237fs, E264fs, E324fs, M1fs, R392fs.
Identifiers: ClinVar variation 3037061 (VCV003037061.3), dbSNP rs2541399701, ClinGen allele CA2613926771.